The following is an entry in ClinVar:

NM_024426.6(WT1):c.884G>A (p.Ser295Asn)

Gene: WT1 (WT1 transcription factor; minus strand). Cytogenetic location: 11p13.
Variant type: single nucleotide variant.
Coding change: c.884G>A on transcript NM_024426.6 (MANE Select); coding-DNA position 884, G replaced by A.
Protein change: p.Ser295Asn; replaces serine 295 with asparagine.
Molecular consequence: missense variant. On other transcripts: non-coding transcript variant (1).
Genome position (GRCh38, 1-based): chr11:32,427,959, C>T on the plus strand (G>A on the coding strand, the complement: WT1 is on the minus strand). VCF-style: chr11-32427959-C-T. GRCh37 (hg19) VCF-style: chr11-32449505-C-T.
Other names: c.884G>A, p.Ser295Asn (NM_000378.6, NM_001407044.1, NM_001407045.1 and 4 more transcripts); c.233G>A, p.Ser78Asn (NM_001198551.2, NM_001198552.2); c.761G>A, p.Ser254Asn (NM_001407047.1, NM_001407050.1); c.122G>A, p.Ser41Asn (NM_001407051.1); c.869G>A, p.Ser290Asn (NM_024425.2); c.869G>A (NM_024426.4); short protein forms S78N, S254N, S290N, S41N, S295N.
Identifiers: ClinVar variation 2122957 (VCV002122957.5), dbSNP rs2494424628, ClinGen allele CA379962787.
Genomic context (GRCh38, chr11:32,427,959, plus strand): 5'-TCATGCGTCCCCTCCGGGGTCCCAAGGACCCAGACGCAGAGCCCAGCGCCTTCCTACCTG[C>T]TGTAGGGCGTCCTCAGCAGCAAAGCCTGGCTGCCGGTGCAGCTGTCGGTGGGGGTGTGGC-3'
Protein context (NP_077744.4, residues 285-305): SQALLLRTPY[Ser295Asn]SDNLYQMTSQ

ClinVar aggregate classification (germline): Uncertain significance. Review status: criteria provided, multiple submitters, no conflicts (2 of 4 stars). 2 submissions from 2 submitters: Uncertain significance (2). Last evaluated 2025-02-05.

Conditions:
Drash syndrome (DDS). Also called: NEPHROPATHY, WILMS TUMOR, AND GENITAL ANOMALIES; WILMS TUMOR AND PSEUDO- OR TRUE HERMAPHRODITISM. Identifiers: Orphanet 220, MedGen C0950121, MONDO:0008682, OMIM 194080.
Frasier syndrome. Identifiers: Orphanet 347, MedGen C0950122, MeSH D052159, MONDO:0007635, OMIM 136680.
Wilms tumor 1 (WT1). Also called: Wilms tumor, somatic. Identifiers: Orphanet 654, MedGen CN033288, MONDO:0008679, OMIM 194070.
11p partial monosomy syndrome (WAGR). Also called: CHROMOSOME 11p13 DELETION SYNDROME; WAGR syndrome; WAGR Spectrum Disorder; WAGR Complex. Identifiers: Orphanet 893, MedGen C0206115, MONDO:0008681, OMIM 194072.
Inborn genetic diseases. Identifiers: MedGen C0950123, MeSH D030342.

Submissions (2):

Ambry Genetics
Classification: Uncertain significance for Inborn genetic diseases. Last evaluated: 2025-02-05. Review status: criteria provided, single submitter. Criteria: Ambry Variant Classification Scheme 2023. Collection method: clinical testing. Allele origin: germline.
Comment: The p.S290N variant (also known as c.869G>A), located in coding exon 3 of the WT1 gene, results from a G to A substitution at nucleotide position 869. The serine at codon 290 is replaced by asparagine, an amino acid with highly similar properties. This amino acid position is conserved. In addition, this alteration is predicted to be tolerated by in silico analysis. Based on the available evidence, the clinical significance of this variant remains unclear.

Labcorp Genetics (formerly Invitae), Labcorp
Classification: Uncertain significance for Wilms tumor 1; Drash syndrome; 11p partial monosomy syndrome; Frasier syndrome. Last evaluated: 2023-03-07. Review status: criteria provided, single submitter. Criteria: Invitae Variant Classification Sherloc (09022015). Collection method: clinical testing. Allele origin: germline.
Comment: In summary, the available evidence is currently insufficient to determine the role of this variant in disease. Therefore, it has been classified as a Variant of Uncertain Significance. Algorithms developed to predict the effect of missense changes on protein structure and function output the following: SIFT: "Not Available"; PolyPhen-2: "Benign"; Align-GVGD: "Not Available". The asparagine amino acid residue is found in multiple mammalian species, which suggests that this missense change does not adversely affect protein function. ClinVar contains an entry for this variant (Variation ID: 2122957). This variant has not been reported in the literature in individuals affected with WT1-related conditions. This variant is not present in population databases (gnomAD no frequency). This sequence change replaces serine, which is neutral and polar, with asparagine, which is neutral and polar, at codon 290 of the WT1 protein (p.Ser290Asn).